The following is an entry in ClinVar:

ClinVar aggregate classification (germline): Conflicting classifications of pathogenicity. Review status: criteria provided, conflicting classifications (1 of 4 stars). 2 submissions from 2 submitters: Uncertain significance (1); Likely benign (1). Last evaluated 2022-11-30.

Conditions:
Severe combined immunodeficiency due to DNA-PKcs deficiency. Also called: IMMUNODEFICIENCY 26 WITH NEUROLOGIC ABNORMALITIES; Immunodeficiency 26 with or without neurologic abnormalities. Identifiers: Orphanet 317425, MedGen C4014833, MONDO:0014423, OMIM 615966.

Allele frequency attached by ClinVar (database versions not stated): gnomAD 0.00001; gnomAD exomes 0.00001 and 0.00006; ExAC 0.00002; TOPMed 0.00003; ESP Exome Variant Server 0.00008.
gnomAD v4.1: 91 of 1,612,620 alleles (0.0056%); highest among the groups gnomAD compares: Non-Finnish European, 0.0077%; no homozygotes.

Submissions (2):

Ambry Genetics
Classification: Likely benign. Last evaluated: 2022-11-30. Review status: criteria provided, single submitter. Criteria: Ambry Variant Classification Scheme 2023. Collection method: clinical testing. Allele origin: germline.

Labcorp Genetics (formerly Invitae), Labcorp
Classification: Uncertain significance for Severe combined immunodeficiency due to DNA-PKcs deficiency. Last evaluated: 2022-09-12. Review status: criteria provided, single submitter. Criteria: Invitae Variant Classification Sherloc (09022015). Collection method: clinical testing. Allele origin: germline.
Comment: This sequence change replaces arginine, which is basic and polar, with glutamine, which is neutral and polar, at codon 2072 of the PRKDC protein (p.Arg2072Gln). This variant is present in population databases (rs373126381, gnomAD 0.002%). This variant has not been reported in the literature in individuals affected with PRKDC-related conditions. ClinVar contains an entry for this variant (Variation ID: 569375). Algorithms developed to predict the effect of missense changes on protein structure and function output the following: SIFT: "Not Available"; PolyPhen-2: "Not Available"; Align-GVGD: "Not Available". The glutamine amino acid residue is found in multiple mammalian species, which suggests that this missense change does not adversely affect protein function. In summary, the available evidence is currently insufficient to determine the role of this variant in disease. Therefore, it has been classified as a Variant of Uncertain Significance.

NM_006904.7(PRKDC):c.6215G>A (p.Arg2072Gln)

Gene: PRKDC (protein kinase, DNA-activated, catalytic subunit; minus strand). Cytogenetic location: 8q11.21.
Variant type: single nucleotide variant.
Coding change: c.6215G>A on transcript NM_006904.7 (MANE Select); coding-DNA position 6215, G replaced by A.
Protein change: p.Arg2072Gln; replaces arginine 2072 with glutamine.
Molecular consequence: missense variant.
Genome position (GRCh38, 1-based): chr8:47,858,979, C>T on the plus strand (G>A on the coding strand, the complement: PRKDC is on the minus strand). VCF-style: chr8-47858979-C-T. GRCh37 (hg19) VCF-style: chr8-48771540-C-T.
Other names: c.6215G>A, p.Arg2072Gln (NM_001081640.2); short protein forms R2072Q.
Identifiers: ClinVar variation 569375 (VCV000569375.10), dbSNP rs373126381, ClinGen allele CA4740424.